The following is an entry in ClinVar:

NM_001039591.3(USP9X):c.7611A>C (p.Gln2537His)

Gene: USP9X (ubiquitin specific peptidase 9 X-linked; plus strand). Cytogenetic location: Xp11.4.
Variant type: single nucleotide variant.
Coding change: c.7611A>C on transcript NM_001039591.3 (MANE Select); coding-DNA position 7611, A replaced by C.
Protein change: p.Gln2537His; replaces glutamine 2537 with histidine.
Molecular consequence: missense variant.
Genome position (GRCh38, 1-based): chrX:41,232,470, A>C. VCF-style: chrX-41232470-A-C. GRCh37 (hg19) VCF-style: chrX-41091723-A-C.
Other names: c.7659A>C, p.Gln2553His (NM_001039590.3); c.7674A>C, p.Gln2558His (NM_001410748.1); c.7626A>C, p.Gln2542His (NM_001410749.1, NM_001437534.1); short protein forms Q2537H, Q2542H, Q2553H, Q2558H.
Identifiers: ClinVar variation 4282393 (VCV004282393.1).

ClinVar aggregate classification (germline): Uncertain significance (1 of 4 stars; one submission).

Submission:

GeneDx
Classification: Uncertain significance. Last evaluated: 2025-04-18. Review status: criteria provided, single submitter. Criteria: GeneDx Variant Classification Process June 2021. Collection method: clinical testing. Allele origin: germline. Affected: yes.
Comment: Not observed at significant frequency in large population cohorts (gnomAD); In silico analysis indicates that this missense variant does not alter protein structure/function; Has not been previously published as pathogenic or benign to our knowledge